The following is an entry in ClinVar:

NM_000245.4(MET):c.901A>G (p.Thr301Ala)

Gene: MET (MET proto-oncogene, receptor tyrosine kinase; plus strand). Cytogenetic location: 7q31.2.
Variant type: single nucleotide variant.
Coding change: c.901A>G on transcript NM_000245.4 (MANE Select); coding-DNA position 901, A replaced by G.
Protein change: p.Thr301Ala; replaces threonine 301 with alanine.
Molecular consequence: missense variant. On other transcripts: intron variant (1).
Genome position (GRCh38, 1-based): chr7:116,699,985, A>G. VCF-style: chr7-116699985-A-G. GRCh37 (hg19) VCF-style: chr7-116340039-A-G.
Other names: c.901A>G, p.Thr301Ala (NM_001127500.3, NM_001324401.3); c.-91+27408A>G (NM_001324402.2); c.901A>G (NM_001127500.2, NM_000245.2); short protein forms T301A.
Identifiers: ClinVar variation 167292 (VCV000167292.43), dbSNP rs201687037, ClinGen allele CA189854.
Genomic context (GRCh38, chr7:116,699,985, plus strand): 5'-TTCTGTTCCATAAACTCTGGATTGCATTCCTACATGGAAATGCCTCTGGAGTGTATTCTC[A>G]CAGAAAAGAGAAAAAAGAGATCCACAAAGAAGGAAGTGTTTAATATACTTCAGGCTGCGT-3'
Protein context (NP_000236.2, residues 291-311): YMEMPLECIL[Thr301Ala]EKRKKRSTKK

ClinVar aggregate classification (germline): Conflicting classifications of pathogenicity. Review status: criteria provided, conflicting classifications (1 of 4 stars). 12 submissions from 12 submitters: Uncertain significance (7); Likely benign (4). 1 of the submissions does not count toward it. Last evaluated 2026-02-03.

Conditions:
MET-related disorder. Also called: MET-related condition.
Hereditary papillary renal cell carcinoma. Identifiers: Orphanet 47044, MedGen C0879257, MONDO:0003789.
Renal cell carcinoma. Identifiers: Orphanet 217071, MedGen C0007134, MeSH D002292, MONDO:0005086, HP:0005584.
Autosomal recessive nonsyndromic hearing loss 97. Also called: Deafness, autosomal recessive 97. Identifiers: Orphanet 90636, MedGen C4084709, MONDO:0014739, OMIM 616705.
Hereditary cancer-predisposing syndrome. Also called: Hereditary Cancer Syndrome; Tumor predisposition; Neoplastic Syndromes, Hereditary; Hereditary neoplastic syndrome. Identifiers: Orphanet 140162, MedGen C0027672, MeSH D009386, MONDO:0015356.
Papillary renal cell carcinoma type 1 (RCCP1). Also called: Renal adenocarcinoma; Renal cell carcinoma 1; Renal cell carcinoma, somatic; RENAL CELL CARCINOMA, PAPILLARY, 1, SOMATIC. Identifiers: Orphanet 47044, MedGen C1336839, OMIM 605074, HP:0011797.

Allele frequency attached by ClinVar (database versions not stated): ExAC 0.00022; gnomAD 0.00036 and 0.00038; gnomAD exomes 0.00029 and 0.00060; 1000 Genomes Project 30x 0.00016; 1000 Genomes Project 0.00020; TOPMed 0.00030; ESP Exome Variant Server 0.00067.

Submissions (12):

Labcorp Genetics (formerly Invitae), Labcorp
Classification: Likely benign for Renal cell carcinoma. Last evaluated: 2026-02-03. Review status: criteria provided, single submitter. Criteria: Invitae Variant Classification Sherloc (09022015). Collection method: clinical testing. Allele origin: germline.

Center for Genomic Medicine, Rigshospitalet, Copenhagen University Hospital
Classification: Uncertain significance. Last evaluated: 2025-12-29. Review status: criteria provided, single submitter. Criteria: ACMG Guidelines, 2015. Collection method: clinical testing. Allele origin: germline.

Quest Diagnostics Nichols Institute San Juan Capistrano
Classification: Uncertain significance. Last evaluated: 2025-10-24. Review status: criteria provided, single submitter. Criteria: Quest Diagnostics criteria. Collection method: clinical testing. Allele origin: unknown.

GeneDx
Classification: Uncertain significance. Last evaluated: 2025-05-29. Review status: criteria provided, single submitter. Criteria: GeneDx Variant Classification Process June 2021. Collection method: clinical testing. Allele origin: germline. Affected: yes.
Comment: In silico analysis suggests that this missense variant does not alter protein structure/function; This variant is associated with the following publications: (PMID: 27696107, 34882875, 37316882)

PreventionGenetics, part of Exact Sciences
Classification: Likely benign for MET-related condition. Last evaluated: 2025-03-22. Review status: criteria provided, single submitter. Criteria: ACMG Guidelines, 2015. Collection method: clinical testing. Allele origin: germline.
Comment: This variant is classified as likely benign based on ACMG/AMP sequence variant interpretation guidelines (Richards et al. 2015 PMID: 25741868, with internal and published modifications).

Molecular Pathology, Peter Maccallum Cancer Centre
Classification: Uncertain significance for Hereditary papillary renal cell carcinoma. Last evaluated: 2025-02-17. Review status: criteria provided, single submitter. Criteria: ACMG Guidelines, 2015. Collection method: clinical testing. Allele origin: germline. Inheritance: Autosomal dominant inheritance.

Myriad Genetics, Inc.
Classification: Likely benign for Papillary renal cell carcinoma type 1. Last evaluated: 2024-11-06. Review status: criteria provided, single submitter. Criteria: Myriad Autosomal Dominant, Autosomal Recessive and X-Linked Classification Criteria (2023). Collection method: clinical testing. Allele origin: unknown.
Comment: This variant is considered likely benign. This variant has been observed at a population frequency that is significantly greater than expected given the associated disease prevalence and penetrance.

ARUP Laboratories, Molecular Genetics and Genomics, ARUP Laboratories
Classification: Uncertain significance. Last evaluated: 2023-10-23. Review status: criteria provided, single submitter. Criteria: ARUP Molecular Germline Variant Investigation Process 2024. Collection method: clinical testing. Allele origin: germline.
Comment: The MET c.901A>G, p.Thr301Ala variant (rs201687037), to our knowledge, has not been reported in the medical literature; however, this variant is listed in the ClinVar database (Variation ID: 167292). This variant is found in the general population with an overall allele frequency of 0.03% (81/280,300 alleles) in the Genome Aggregation Database. The threonine at codon 301 is moderately conserved, and computational analyses are uncertain whether this variant is neutral or deleterious (REVEL: 0.243). Based on the available information, the clinical significance of this variant is uncertain.

Ambry Genetics
Classification: Likely benign for Hereditary cancer-predisposing syndrome. Last evaluated: 2018-09-10. Review status: criteria provided, single submitter. Criteria: Ambry Variant Classification Scheme 2023. Collection method: clinical testing. Allele origin: germline.

Baylor Genetics
Classification: Uncertain significance for Autosomal recessive nonsyndromic hearing loss 97. Last evaluated: 2018-05-14. Review status: criteria provided, single submitter. Criteria: ACMG Guidelines, 2015. Collection method: clinical testing. Allele origin: maternal. Affected: yes.
Comment: This variant was determined to be of uncertain significance according to ACMG Guidelines, 2015 [PMID:25741868].

Eurofins Ntd Llc (ga)
Classification: Uncertain significance. Last evaluated: 2014-01-15. Review status: criteria provided, single submitter. Criteria: EGL Classification Definitions 2015. Collection method: clinical testing. Allele origin: germline. Observed: 1 variant allele, 1 heterozygote.

Department of Pathology and Laboratory Medicine, Sinai Health System
Classification: Uncertain significance. Review status: no assertion criteria provided. Collection method: clinical testing. Allele origin: unknown. Affected: yes. Study: The Canadian Open Genetics Repository (COGR). Not counted in ClinVar's aggregate classification.
Comment: The MET p.T301A variant was identified in one individual with colon cancer (Rohlin_2017_PMID: 27696107). The variant was identified in dbSNP (ID: rs201687037), ClinVar (classified as uncertain significance by EGL Genetic Diagnostics and Invitae; and as likely benign by Ambry Genetics), and COSMIC (lung, prostate, endometrium). The variant was identified in control databases in 81 of 280300 chromosomes at a frequency of 0.0002890, and was observed at the highest frequency in the European (non-Finnish) population in 71 of 128168 chromosomes (freq: 0.0005540) (Genome Aggregation Database March 6, 2019, v2.1.1). The p.T301 residue is conserved in mammals and computational analyses (MUT Assesor, PolyPhen-2, SIFT, MutationTaster, Revel, FATHMM, MetaLR, DANN) provide inconsistent predictions regarding the impact to the protein; this information is not very predictive of pathogenicity. The variant occurs outside of the splicing consensus sequence and in silico or computational prediction software programs (Splice AI exome) do not predict an impact on splicing. In summary, based on the above information the clinical significance of this variant cannot be determined with certainty at this time. This variant is classified as a variant of uncertain significance.

Literature cited by the submitters: PubMed 27696107 (cited by Ambry Genetics).